The following is an entry in ClinVar:

ClinVar aggregate classification (germline): Pathogenic (1 of 4 stars; one submission).

Conditions:
Interstitial lung disease due to ABCA3 deficiency. Also called: PULMONARY ALVEOLAR PROTEINOSIS, CONGENITAL, 3. Identifiers: Orphanet 440402, MedGen C1970456, MONDO:0012582, OMIM 610921.

Submission:

Myriad Genetics, Inc.
Classification: Pathogenic for Interstitial lung disease due to ABCA3 deficiency. Last evaluated: 2026-08-29. Review status: criteria provided, single submitter. Criteria: Myriad Autosomal Dominant, Autosomal Recessive and X-Linked Classification Criteria (2023). Collection method: clinical testing. Allele origin: unknown.
Comment: NM_001089.2(ABCA3):c.3907delG(V1303Sfs*43) is expected to be pathogenic in the context of surfactant deficiency, ABCA3-related. This variant is predicted to lead to an abnormal or absent protein product due to the creation of a premature termination codon in ABCA3, a gene where loss-of-function variants are known to be pathogenic. Please note: this variant was assessed in the context of healthy population screening.

NM_001089.3(ABCA3):c.3907del (p.Val1303fs)

Gene: ABCA3 (ATP binding cassette subfamily A member 3; minus strand). Cytogenetic location: 16p13.3.
Variant type: Deletion.
Coding change: c.3907del on transcript NM_001089.3 (MANE Select); coding-DNA position 3907, one base deleted (G; older notation c.3907delG).
Protein change: p.Val1303fs; shifts the reading frame from valine 1303.
Molecular consequence: frameshift variant.
Genome position (GRCh38, 1-based): chr16:2,283,314, C deleted on the plus strand (G on the coding strand, the reverse complement: ABCA3 is on the minus strand); the first of 5 consecutive C bases (chr16:2,283,314-2,283,318); deleting any one gives the same sequence. VCF-style (leftmost placement, unchanged base first): chr16-2283313-AC-A. GRCh37 (hg19) VCF-style: chr16-2333314-AC-A.
Other names: short protein forms V1303fs.
Identifiers: ClinVar variation 5016299 (VCV005016299.1).